The following is an entry in ClinVar:

ClinVar aggregate classification (germline): Uncertain significance (1 of 4 stars; one submission).

Conditions:
RPGRIP1L-related disorder. Also called: RPGRIP1L-related disorders; RPGRIP1L-related condition. Identifiers: MedGen CN239416.

gnomAD v4.1: 6 of 1,613,912 alleles (0.00037%); highest among the groups gnomAD compares: African/African-American, 0.0013%; no homozygotes.

Submission:

PreventionGenetics, part of Exact Sciences
Classification: Uncertain significance for RPGRIP1L-related condition. Last evaluated: 2026-03-04. Review status: criteria provided, single submitter. Criteria: ACMG Guidelines, 2015. Collection method: clinical testing. Allele origin: germline.
Comment: The RPGRIP1L c.403T>G variant is predicted to result in the amino acid substitution p.Ser135Ala. To our knowledge, this variant has not been reported in the literature. This variant is reported in 0.0065% of alleles in individuals of European (Non-Finnish) descent in gnomAD. At this time, the clinical significance of this variant is uncertain due to the absence of conclusive functional and genetic evidence.

NM_015272.5(RPGRIP1L):c.403T>G (p.Ser135Ala)

Gene: RPGRIP1L (RPGRIP1 like; minus strand). Cytogenetic location: 16q12.2.
Variant type: single nucleotide variant.
Coding change: c.403T>G on transcript NM_015272.5 (MANE Select); coding-DNA position 403, T replaced by G.
Protein change: p.Ser135Ala; replaces serine 135 with alanine.
Molecular consequence: missense variant.
Genome position (GRCh38, 1-based): chr16:53,692,192, A>C on the plus strand (T>G on the coding strand, the complement: RPGRIP1L is on the minus strand). VCF-style: chr16-53692192-A-C. GRCh37 (hg19) VCF-style: chr16-53726104-A-C.
Other names: c.403T>G, p.Ser135Ala (NM_001127897.4, NM_001308334.3, NM_001330538.2); short protein forms S135A.
Identifiers: ClinVar variation 5000202 (VCV005000202.1).
Genomic context (GRCh38, chr16:53,692,192, plus strand): 5'-ATTGTACATTATTGTATGGAGTTTGCCTGTAACCCTGGGTTTGAAGTTGCTGTTTGGCTG[A>C]AATCAGTCTGTTTTTGAGGGTTTCATTTTGTTTTTCAAGCTCATGAACTTTCTCTTGCAG-3'
Protein context (NP_056087.2, residues 125-145): QNETLKNRLI[Ser135Ala]AKQQLQTQGY